The following is an entry in ClinVar:

NM_006563.5(KLF1):c.293C>T (p.Pro98Leu)

Gene: KLF1 (KLF transcription factor 1; minus strand). Cytogenetic location: 19p13.13.
Variant type: single nucleotide variant.
Coding change: c.293C>T on transcript NM_006563.5 (MANE Select); coding-DNA position 293, C replaced by T.
Protein change: p.Pro98Leu; replaces proline 98 with leucine.
Molecular consequence: missense variant.
Genome position (GRCh38, 1-based): chr19:12,885,937, G>A on the plus strand (C>T on the coding strand, the complement: KLF1 is on the minus strand). VCF-style: chr19-12885937-G-A. GRCh37 (hg19) VCF-style: chr19-12996751-G-A.
Other names: short protein forms P98L.
Identifiers: ClinVar variation 4697460 (VCV004697460.1).
Genomic context (GRCh38, chr19:12,885,937, plus strand): 5'-CCAGCATATGCGCCCAGAGTCTCGGGCGGCGGCGGATATTGCGCCCCGGAGGCCTCGCTG[G>A]GCGCCAGAGCGCAGGTCTGGGGCGCGCCACCGGGCTCCGGGCCCGAGAAGTTGGTGAGGA-3'
Protein context (NP_006554.1, residues 88-108): GGAPQTCALA[Pro98Leu]SEASGAQYPP

ClinVar aggregate classification (germline): Uncertain significance (1 of 4 stars; one submission).

Submission:

Labcorp Genetics (formerly Invitae), Labcorp
Classification: Uncertain significance. Last evaluated: 2025-10-09. Review status: criteria provided, single submitter. Criteria: Invitae Variant Classification Sherloc (09022015). Collection method: clinical testing. Allele origin: germline.
Comment: This sequence change replaces proline, which is neutral and non-polar, with leucine, which is neutral and non-polar, at codon 98 of the KLF1 protein (p.Pro98Leu). This variant is not present in population databases (gnomAD no frequency). This variant has not been reported in the literature in individuals affected with KLF1-related conditions. Invitae Evidence Modeling of protein sequence and biophysical properties (such as structural, functional, and spatial information, amino acid conservation, physicochemical variation, residue mobility, and thermodynamic stability) has been performed for this missense variant. However, the output from this modeling did not meet the statistical confidence thresholds required to predict the impact of this variant on KLF1 protein function. In summary, the available evidence is currently insufficient to determine the role of this variant in disease. Therefore, it has been classified as a Variant of Uncertain Significance.